The following is an entry in ClinVar:

ClinVar aggregate classification (germline): Uncertain significance (1 of 4 stars; one submission).

Conditions:
Hereditary cancer-predisposing syndrome. Also called: Neoplastic Syndromes, Hereditary; Tumor predisposition; Hereditary Cancer Syndrome; Hereditary neoplastic syndrome. Identifiers: Orphanet 140162, MedGen C0027672, MeSH D009386, MONDO:0015356.

Submission:

Ambry Genetics
Classification: Uncertain significance for Hereditary cancer-predisposing syndrome. Last evaluated: 2024-11-08. Review status: criteria provided, single submitter. Criteria: Ambry Variant Classification Scheme 2023. Collection method: clinical testing. Allele origin: germline.
Comment: The p.E159* variant (also known as c.475G>T), located in coding exon 4 of the POLD1 gene, results from a G to T substitution at nucleotide position 475. This changes the amino acid from a glutamic acid to a stop codon within coding exon 4. This alteration is expected to result in protein truncation or nonsense-mediated mRNA decay. However, loss of function of POLD1 has not been established as a mechanism of disease. Based on the available evidence, the clinical significance of this alteration remains unclear.

NM_002691.4(POLD1):c.475G>T (p.Glu159Ter)

Gene: POLD1 (DNA polymerase delta 1, catalytic subunit; plus strand). Cytogenetic location: 19q13.33.
Variant type: single nucleotide variant.
Coding change: c.475G>T on transcript NM_002691.4 (MANE Select); coding-DNA position 475, G replaced by T.
Protein change: p.Glu159Ter; replaces glutamic acid 159 with a stop codon.
Molecular consequence: nonsense. On other transcripts: non-coding transcript variant (1).
Genome position (GRCh38, 1-based): chr19:50,402,010, G>T. VCF-style: chr19-50402010-G-T. GRCh37 (hg19) VCF-style: chr19-50905267-G-T.
Other names: c.475G>T, p.Glu159Ter (NM_001256849.1, NM_001308632.1); short protein forms E159*.
Identifiers: ClinVar variation 3421972 (VCV003421972.1).